The following is an entry in ClinVar:

NM_000426.4(LAMA2):c.6185T>C (p.Leu2062Pro)

Genes: LAMA2 (laminin subunit alpha 2; plus strand), LOC123864065 (Sharpr-MPRA regulatory region 661; plus strand). Cytogenetic location: 6q22.33.
Variant type: single nucleotide variant.
Coding change: c.6185T>C on transcript NM_000426.4 (MANE Select); coding-DNA position 6185, T replaced by C.
Protein change: p.Leu2062Pro; replaces leucine 2062 with proline.
Molecular consequence: missense variant.
Genome position (GRCh38, 1-based): chr6:129,440,915, T>C. VCF-style: chr6-129440915-T-C. GRCh37 (hg19) VCF-style: chr6-129762060-T-C.
Other names: c.6185T>C, p.Leu2062Pro (NM_001079823.2); short protein forms L2062P.
Identifiers: ClinVar variation 2006249 (VCV002006249.4), dbSNP rs1199984582, ClinGen allele CA365629362.
Genomic context (GRCh38, chr6:129,440,915, plus strand): 5'-GACAAGCCAACGACACAGCTAAAGATGTACTGGCACAGATTACAGAGCTCCACCAGAACC[T>C]CGATGGCCTGAAGAAGAATTACAATAAACTAGCAGACAGCGTCGCCAAAACGAATGCTGT-3'
Protein context (NP_000417.3, residues 2052-2072): LAQITELHQN[Leu2062Pro]DGLKKNYNKL

ClinVar aggregate classification (germline): Uncertain significance (1 of 4 stars; one submission).

Conditions:
LAMA2-related muscular dystrophy (LAMA2-RD). Also called: Laminin alpha 2-related dystrophy. Identifiers: MedGen C5679788, MONDO:0100228.

Submission:

Labcorp Genetics (formerly Invitae), Labcorp
Classification: Uncertain significance for LAMA2-related muscular dystrophy. Last evaluated: 2022-06-14. Review status: criteria provided, single submitter. Criteria: Invitae Variant Classification Sherloc (09022015). Collection method: clinical testing. Allele origin: germline.
Comment: This sequence change replaces leucine, which is neutral and non-polar, with proline, which is neutral and non-polar, at codon 2062 of the LAMA2 protein (p.Leu2062Pro). This variant is not present in population databases (gnomAD no frequency). This variant has not been reported in the literature in individuals affected with LAMA2-related conditions. Advanced modeling of protein sequence and biophysical properties (such as structural, functional, and spatial information, amino acid conservation, physicochemical variation, residue mobility, and thermodynamic stability) performed at Invitae indicates that this missense variant is not expected to disrupt LAMA2 protein function. In summary, the available evidence is currently insufficient to determine the role of this variant in disease. Therefore, it has been classified as a Variant of Uncertain Significance.